The following is an entry in ClinVar:

NM_004036.5(ADCY3):c.745C>T (p.Arg249Cys)

Gene: ADCY3 (adenylate cyclase 3; minus strand). Cytogenetic location: 2p23.3.
Variant type: single nucleotide variant.
Coding change: c.745C>T on transcript NM_004036.5 (MANE Select); coding-DNA position 745, C replaced by T.
Protein change: p.Arg249Cys; replaces arginine 249 with cysteine.
Molecular consequence: missense variant.
Genome position (GRCh38, 1-based): chr2:24,872,650, G>A on the plus strand (C>T on the coding strand, the complement: ADCY3 is on the minus strand). VCF-style: chr2-24872650-G-A. GRCh37 (hg19) VCF-style: chr2-25095519-G-A.
Other names: c.745C>T, p.Arg249Cys (NM_001320613.2, NM_001377128.1, NM_001377129.1 and 2 more transcripts); c.22C>T, p.Arg8Cys (NM_001377131.1); short protein forms R249C, R8C.
Identifiers: ClinVar variation 4979416 (VCV004979416.1).

ClinVar aggregate classification (germline): Uncertain significance (1 of 4 stars; one submission).

Conditions:
ADCY3-related disorder. Also called: ADCY3-related condition.

gnomAD v4.1: 76 of 1,614,068 alleles (0.0047%); highest among the groups gnomAD compares: Admixed American, 0.088%; 1 homozygote.

Submission:

PreventionGenetics, part of Exact Sciences
Classification: Uncertain significance for ADCY3-related condition. Last evaluated: 2025-09-25. Review status: criteria provided, single submitter. Criteria: ACMG Guidelines, 2015. Collection method: clinical testing. Allele origin: germline.
Comment: The ADCY3 c.745C>T variant is predicted to result in the amino acid substitution p.Arg249Cys. To our knowledge, this variant has not been reported in the literature. This variant is reported in 0.043% of alleles in individuals of Latino descent in gnomAD. At this time, the clinical significance of this variant is uncertain due to the absence of conclusive functional and genetic evidence.